The following is an entry in ClinVar:

ClinVar aggregate classification (germline): Uncertain significance (1 of 4 stars; one submission).

Conditions:
Hereditary sensory and autonomic neuropathy type 6. Also called: Neuropathy, hereditary sensory and autonomic, type VI; HSAN VI. Identifiers: Orphanet 314381, MedGen C3539003, MONDO:0013839, OMIM 614653.
Epidermolysis bullosa simplex 3, localized or generalized intermediate, with BP230 deficiency (EBS3). Also called: Epidermolysis bullosa simplex, autosomal recessive 2; Epidermolysis bullosa simplex due to BP230 deficiency. Identifiers: Orphanet 412181, MedGen C3809470, MONDO:0014180, OMIM 615425.

Submission:

Labcorp Genetics (formerly Invitae), Labcorp
Classification: Uncertain significance for Epidermolysis bullosa simplex 3, localized or generalized intermediate, with BP230 deficiency; Hereditary sensory and autonomic neuropathy type 6. Last evaluated: 2021-12-23. Review status: criteria provided, single submitter. Criteria: Invitae Variant Classification Sherloc (09022015). Collection method: clinical testing. Allele origin: germline.
Comment: The DST gene has multiple clinically relevant transcripts. This variant occurs in alternate transcript NM_015548.4, and corresponds to NM_001723.5:c.*60106A>G in the primary transcript. This sequence change replaces lysine, which is basic and polar, with glutamic acid, which is acidic and polar, at codon 2401 of the DST protein (p.Lys2401Glu). In summary, the available evidence is currently insufficient to determine the role of this variant in disease. Therefore, it has been classified as a Variant of Uncertain Significance. Experimental studies and prediction algorithms are not available or were not evaluated, and the functional significance of this variant is currently unknown. This variant has not been reported in the literature in individuals affected with DST-related conditions. This variant is not present in population databases (gnomAD no frequency).

NM_001374736.1(DST):c.15070A>G (p.Lys5024Glu)

Gene: DST (dystonin; minus strand). Cytogenetic location: 6p12.1.
Variant type: single nucleotide variant.
Coding change: c.15070A>G on transcript NM_001374736.1 (MANE Select); coding-DNA position 15070, A replaced by G.
Protein change: p.Lys5024Glu; replaces lysine 5024 with glutamic acid.
Molecular consequence: missense variant.
Genome position (GRCh38, 1-based): chr6:56,555,411, T>C on the plus strand (A>G on the coding strand, the complement: DST is on the minus strand). VCF-style: chr6-56555411-T-C. GRCh37 (hg19) VCF-style: chr6-56420209-T-C.
Other names: c.8713A>G, p.Lys2905Glu (NM_001144769.5); c.8299A>G, p.Lys2767Glu (NM_001144770.2); c.15070A>G, p.Lys5024Glu (NM_001374722.1); c.14437A>G, p.Lys4813Glu (NM_001374729.1); c.8179A>G, p.Lys2727Glu (NM_001374730.1, NM_001386100.1, NM_183380.4); c.15097A>G, p.Lys5033Glu (NM_001374734.1); c.7201A>G, p.Lys2401Glu (NM_015548.5); short protein forms K2401E, K2727E, K2767E, K2905E, K5024E, K5033E, K4813E.
Identifiers: ClinVar variation 2056264 (VCV002056264.4), dbSNP rs2535387617, ClinGen allele CA364518567.